The following continues an entry in ClinVar:

NM_007294.4(BRCA1):c.68_69del (p.Glu23fs)

Gene: BRCA1. ClinVar aggregate classification (germline): Pathogenic. Pathogenic (1).

Literature cited by the submitters, continued: PubMed 16941470 (cited by Quest Diagnostics Nichols Institute San Juan Capistrano and OMIM); PubMed 16168118 (cited by Quest Diagnostics Nichols Institute San Juan Capistrano); PubMed 18594935 (cited by Quest Diagnostics Nichols Institute San Juan Capistrano); PubMed 19906413 (cited by Quest Diagnostics Nichols Institute San Juan Capistrano); PubMed 20711688 (cited by Quest Diagnostics Nichols Institute San Juan Capistrano); PubMed 21503673 (cited by Quest Diagnostics Nichols Institute San Juan Capistrano and Dasa); PubMed 22006311 (cited by Quest Diagnostics Nichols Institute San Juan Capistrano); PubMed 22009639 (cited by Quest Diagnostics Nichols Institute San Juan Capistrano); PubMed 22516946 (cited by Quest Diagnostics Nichols Institute San Juan Capistrano); PubMed 22535016 (cited by Quest Diagnostics Nichols Institute San Juan Capistrano); PubMed 22763381 (cited by Quest Diagnostics Nichols Institute San Juan Capistrano and Illumina Laboratory Services, Illumina); PubMed 23086583 (cited by Quest Diagnostics Nichols Institute San Juan Capistrano); PubMed 19147582 (cited by Quest Diagnostics Nichols Institute San Juan Capistrano); PubMed 23683081 (cited by Quest Diagnostics Nichols Institute San Juan Capistrano); PubMed 23855721 (cited by Quest Diagnostics Nichols Institute San Juan Capistrano); PubMed 22274685 (cited by Quest Diagnostics Nichols Institute San Juan Capistrano); PubMed 21203900 (cited by Quest Diagnostics Nichols Institute San Juan Capistrano); PubMed 23531862 (cited by Quest Diagnostics Nichols Institute San Juan Capistrano); PubMed 23941904 (cited by Quest Diagnostics Nichols Institute San Juan Capistrano); PubMed 20651350 (cited by Quest Diagnostics Nichols Institute San Juan Capistrano); PubMed 19329713 (cited by Quest Diagnostics Nichols Institute San Juan Capistrano); PubMed 17688236 (cited by Quest Diagnostics Nichols Institute San Juan Capistrano); PubMed 10739756 (cited by Quest Diagnostics Nichols Institute San Juan Capistrano and Department of Pathology and Laboratory Medicine, Sinai Health System); PubMed 11896106 (cited by Quest Diagnostics Nichols Institute San Juan Capistrano); PubMed 11179017 (cited by Quest Diagnostics Nichols Institute San Juan Capistrano); PubMed 15024741 (cited by Quest Diagnostics Nichols Institute San Juan Capistrano and Breast Cancer Information Core (BIC) (BRCA1)); PubMed 8764110 (cited by Quest Diagnostics Nichols Institute San Juan Capistrano); PubMed 31447099 (cited by Quest Diagnostics Nichols Institute San Juan Capistrano); PubMed 31528241 (cited by Quest Diagnostics Nichols Institute San Juan Capistrano); PubMed 31589614 (cited by Quest Diagnostics Nichols Institute San Juan Capistrano); PubMed 31948886 (cited by Quest Diagnostics Nichols Institute San Juan Capistrano); PubMed 31980526 (cited by Quest Diagnostics Nichols Institute San Juan Capistrano); PubMed 32338768 (cited by Quest Diagnostics Nichols Institute San Juan Capistrano); PubMed 32341426 (cited by Quest Diagnostics Nichols Institute San Juan Capistrano); PubMed 32719484 (cited by Quest Diagnostics Nichols Institute San Juan Capistrano); PubMed 33224455 (cited by Quest Diagnostics Nichols Institute San Juan Capistrano); PubMed 33556450 (cited by Quest Diagnostics Nichols Institute San Juan Capistrano); PubMed 33646313 (cited by Quest Diagnostics Nichols Institute San Juan Capistrano); PubMed 34308366 (cited by Quest Diagnostics Nichols Institute San Juan Capistrano); PubMed 9634504 (cited by Quest Diagnostics Nichols Institute San Juan Capistrano and Department of Pathology and Laboratory Medicine, Sinai Health System); PubMed 26295337 (cited by Quest Diagnostics Nichols Institute San Juan Capistrano); DOI 10.3389/fgene.2022.834265 (cited by National Health Laboratory Service, Universitas Academic Hospital and University of the Free State); PubMed 28873162 (cited by Department of Pediatrics, Memorial Sloan Kettering Cancer Center); PubMed 12677558 (cited by Department of Pathology and Laboratory Medicine, Sinai Health System); PubMed 18165636 (cited by Department of Pathology and Laboratory Medicine, Sinai Health System); PubMed 23055798 (cited by Department of Pathology and Laboratory Medicine, Sinai Health System); PubMed 12955716 (cited by Department of Pathology and Laboratory Medicine, Sinai Health System); PubMed 10573018 (cited by Department of Pathology and Laboratory Medicine, Sinai Health System); PubMed 10353781 (cited by Department of Pathology and Laboratory Medicine, Sinai Health System); PubMed 14709740 (cited by Department of Pathology and Laboratory Medicine, Sinai Health System); PubMed 10413426 (cited by Department of Pathology and Laboratory Medicine, Sinai Health System); PubMed 20924075 (cited by Women's Health and Genetics/Laboratory Corporation of America, LabCorp); PubMed 12566964 (cited by Women's Health and Genetics/Laboratory Corporation of America, LabCorp); PubMed 38922859 (cited by Molecular Oncology, Hospital Universitario Central de Asturias (HUCA)); PubMed 32295079 (cited by CZECANCA consortium); PubMed 20301425 (cited by Pathway Genomics); PubMed 23233716 (cited by Pathway Genomics); PubMed 12473589 (cited by Pathway Genomics); PubMed 18034184 (cited by Pathway Genomics); PubMed 24764757 (cited by Pathway Genomics); PubMed 11352856 (cited by Counsyl); PubMed 17307836 (cited by Counsyl); PubMed 21324516 (cited by Counsyl); PubMed 9450187 (cited by OMIM); PubMed 9536083 (cited by OMIM); PubMed 9764635 (cited by OMIM); PubMed 9625172 (cited by OMIM); PubMed 18762988 (cited by OMIM); Family is not Ashkenazi Jewish. (cited by Breast Cancer Information Core (BIC) (BRCA1)); Strewing et al 1995 (cited by Breast Cancer Information Core (BIC) (BRCA1)); PubMed 15383404 (cited by Breast Cancer Information Core (BIC) (BRCA1)); NCBI Bookshelf NBK1247 (cited by GeneReviews); PubMed 11466700 (cited by GeneReviews); PubMed 11896095 (cited by GeneReviews); PubMed 12402332 (cited by GeneReviews); PubMed 17591843 (cited by GeneReviews).